The following is an entry in ClinVar:

NM_006979.3(SLC39A7):c.226_227dup (p.His77fs)

Gene: SLC39A7 (solute carrier family 39 member 7; plus strand). Cytogenetic location: 6p21.32.
Variant type: Duplication.
Coding change: c.226_227dup on transcript NM_006979.3 (MANE Select); coding-DNA positions 226 to 227, 2 bases duplicated (AC; older notation c.226_227dupAC).
Protein change: p.His77fs; shifts the reading frame from histidine 77.
Molecular consequence: frameshift variant. On other transcripts: intron variant (1).
Genome position (GRCh38, 1-based): chr6:33,201,471-33,201,472, AC duplicated. VCF-style (leftmost placement, unchanged base first): chr6-33201470-T-TAC. GRCh37 (hg19) VCF-style: chr6-33169247-T-TAC.
Other names: c.226_227dup, p.His77fs (NM_001077516.2); c.52+83_52+84dup (NM_001288777.2); short protein forms H77fs.
Identifiers: ClinVar variation 2092845 (VCV002092845.4), dbSNP rs2535774030, ClinGen allele CA2580074336.
Genomic context (GRCh38, chr6:33,201,470, plus strand): 5'-CCATGGCCACAGCCATGCCCATGGCCATGGCCACACTCACGAGAGCATCTGGCATGGACA[T>TAC]ACCCACGATCACGACCATGGACATTCACATGAGGATTTACACCATGGCCATAGCCATGGC-3'

ClinVar aggregate classification (germline): Uncertain significance (1 of 4 stars; one submission).

Submission:

Labcorp Genetics (formerly Invitae), Labcorp
Classification: Uncertain significance. Last evaluated: 2022-06-08. Review status: criteria provided, single submitter. Criteria: Invitae Variant Classification Sherloc (09022015). Collection method: clinical testing. Allele origin: germline.
Comment: In summary, the available evidence is currently insufficient to determine the role of this variant in disease. Therefore, it has been classified as a Variant of Uncertain Significance. This sequence change creates a premature translational stop signal (p.His77Profs*69) in the SLC39A7 gene. It is expected to result in an absent or disrupted protein product. However, the current clinical and genetic evidence is not sufficient to establish whether loss-of-function variants in SLC39A7 cause disease. This variant is not present in population databases (gnomAD no frequency). This variant has not been reported in the literature in individuals affected with SLC39A7-related conditions.